The following is an entry in ClinVar:

NM_000256.3(MYBPC3):c.1842C>T (p.Tyr614=)

Gene: MYBPC3 (myosin binding protein C3; minus strand). Cytogenetic location: 11p11.2.
Variant type: single nucleotide variant.
Coding change: c.1842C>T on transcript NM_000256.3 (MANE Select); coding-DNA position 1842, C replaced by T.
Protein change: p.Tyr614=; no amino-acid change (tyrosine 614 retained).
Molecular consequence: synonymous variant.
Genome position (GRCh38, 1-based): chr11:47,341,193, G>A on the plus strand (C>T on the coding strand, the complement: MYBPC3 is on the minus strand). VCF-style: chr11-47341193-G-A. GRCh37 (hg19) VCF-style: chr11-47362744-G-A.
Identifiers: ClinVar variation 704522 (VCV000704522.15), dbSNP rs774488435, ClinGen allele CA078339.

ClinVar aggregate classification (germline): Likely benign. Review status: criteria provided, multiple submitters, no conflicts (2 of 4 stars). 5 submissions from 5 submitters: Likely benign (5). Last evaluated 2025-10-06.

Conditions:
Cardiovascular phenotype. Identifiers: MedGen CN230736.
Cardiomyopathy (CMYO). Also called: Cardiomyopathies. Identifiers: Orphanet 167848, MedGen C0878544, MONDO:0004994, HP:0001638. Inheritance: Various modes of inheritance.
Hypertrophic cardiomyopathy. Also called: HYPERTROPHIC MYOCARDIOPATHY. Identifiers: Orphanet 217569, MedGen C0007194, MeSH D002312, MONDO:0005045, HP:0001639.

Allele frequency attached by ClinVar (database versions not stated): gnomAD exomes 0.00001; ExAC 0.00002; TOPMed 0.00002; gnomAD 0.00003.
gnomAD v4.1: 47 of 1,594,190 alleles (0.0029%); highest among the groups gnomAD compares: Non-Finnish European, 0.0039%; no homozygotes.

Submissions (5):

Labcorp Genetics (formerly Invitae), Labcorp
Classification: Likely benign for Hypertrophic cardiomyopathy. Last evaluated: 2025-10-06. Review status: criteria provided, single submitter. Criteria: Invitae Variant Classification Sherloc (09022015). Collection method: clinical testing. Allele origin: germline.

Women's Health and Genetics/Laboratory Corporation of America, LabCorp
Classification: Likely benign. Last evaluated: 2024-11-15. Review status: criteria provided, single submitter. Criteria: LabCorp Variant Classification Summary - May 2015. Collection method: clinical testing. Allele origin: germline.

All of Us Research Program, National Institutes of Health
Classification: Likely benign for Hypertrophic cardiomyopathy. Last evaluated: 2023-12-07. Review status: criteria provided, single submitter. Criteria: ACMG Guidelines, 2015. Collection method: clinical testing. Allele origin: germline. Inheritance: Autosomal dominant inheritance. Observed: 2 variant alleles, 2 heterozygotes.
Comment: This study involves interpretation of variants in research participants for the purpose of population health screening. Participant phenotype was not available at the time of variant classification. Additional details can be found in publication PMID: 35346344, PMCID: PMC8962531

Ambry Genetics
Classification: Likely benign for Cardiovascular phenotype. Last evaluated: 2020-09-15. Review status: criteria provided, single submitter. Criteria: Ambry Variant Classification Scheme 2023. Collection method: clinical testing. Allele origin: germline.

Color Diagnostics, LLC DBA Color Health
Classification: Likely benign for Cardiomyopathy. Last evaluated: 2018-11-16. Review status: criteria provided, single submitter. Criteria: ACMG Guidelines, 2015. Collection method: clinical testing. Allele origin: germline.